The following is an entry in ClinVar:

ClinVar aggregate classification (germline): Uncertain significance (1 of 4 stars; one submission).

Conditions:
Cardiovascular phenotype. Identifiers: MedGen CN230736.

Allele frequency attached by ClinVar (database versions not stated): gnomAD 0.00001.
gnomAD v4.1: 1 of 1,612,954 alleles (0.000062%); highest among the groups gnomAD compares: Non-Finnish European, 0.000085%; no homozygotes.

Submission:

Ambry Genetics
Classification: Uncertain significance for Cardiovascular phenotype. Last evaluated: 2022-03-23. Review status: criteria provided, single submitter. Criteria: Ambry Variant Classification Scheme 2023. Collection method: clinical testing. Allele origin: germline.
Comment: The p.R1827G variant (also known as c.5479A>G), located in coding exon 14 of the TNXB gene, results from an A to G substitution at nucleotide position 5479. The arginine at codon 1827 is replaced by glycine, an amino acid with dissimilar properties. This amino acid position is conserved. In addition, this alteration is predicted to be tolerated by in silico analysis. Since supporting evidence is limited at this time, the clinical significance of this alteration remains unclear.

NM_001365276.2(TNXB):c.5479A>G (p.Arg1827Gly)

Gene: TNXB (tenascin XB; minus strand). Cytogenetic location: 6p21.33.
Variant type: single nucleotide variant.
Coding change: c.5479A>G on transcript NM_001365276.2 (MANE Select); coding-DNA position 5479, A replaced by G.
Protein change: p.Arg1827Gly; replaces arginine 1827 with glycine.
Molecular consequence: missense variant.
Genome position (GRCh38, 1-based): chr6:32,069,661, T>C on the plus strand (A>G on the coding strand, the complement: TNXB is on the minus strand). VCF-style: chr6-32069661-T-C. GRCh37 (hg19) VCF-style: chr6-32037438-T-C.
Other names: c.5479A>G, p.Arg1827Gly (NM_019105.8); short protein forms R1827G.
Identifiers: ClinVar variation 1747775 (VCV001747775.2), dbSNP rs1368880441, ClinGen allele CA363412126.